The following is an entry in ClinVar:

NM_001267550.2(TTN):c.2032A>G (p.Thr678Ala)

Gene: TTN (titin; minus strand). Cytogenetic location: 2q31.2.
Variant type: single nucleotide variant.
Coding change: c.2032A>G on transcript NM_001267550.2 (MANE Select); coding-DNA position 2032, A replaced by G.
Protein change: p.Thr678Ala; replaces threonine 678 with alanine.
Molecular consequence: missense variant.
Genome position (GRCh38, 1-based): chr2:178,789,404, T>C on the plus strand (A>G on the coding strand, the complement: TTN is on the minus strand). VCF-style: chr2-178789404-T-C. GRCh37 (hg19) VCF-style: chr2-179654131-T-C.
Other names: c.2032A>G, p.Thr678Ala (NM_001256850.1, NM_133378.4, NM_133379.5); c.1894A>G, p.Thr632Ala (NM_003319.4, NM_133432.3, NM_133437.4); c.2032A>G (NM_001267550.1); short protein forms T678A, T632A.
Identifiers: ClinVar variation 238716 (VCV000238716.12), dbSNP rs878854290, ClinGen allele CA10581905.

ClinVar aggregate classification (germline): Conflicting classifications of pathogenicity. Review status: criteria provided, conflicting classifications (1 of 4 stars). 5 submissions from 5 submitters: Uncertain significance (4); Likely benign (1). Last evaluated 2025-12-30.

Conditions:
Cardiovascular phenotype. Identifiers: MedGen CN230736.
TTN-related disorder. Also called: TTN-related condition; TTN-related disease; TTN-related disorders.
Autosomal recessive limb-girdle muscular dystrophy type 2J (LGMDR10). Also called: MUSCULAR DYSTROPHY, LIMB-GIRDLE, AUTOSOMAL RECESSIVE 10; Limb-girdle muscular dystrophy, type 2J. Identifiers: Orphanet 140922, MedGen C1837342, MONDO:0012127, OMIM 608807.
Dilated cardiomyopathy 1G (CMD1G). Identifiers: Orphanet 154, MedGen C1858763, MONDO:0011400, OMIM 604145.

Allele frequency attached by ClinVar (database versions not stated): gnomAD exomes below 0.00001 and 0.00006; gnomAD 0.00004; TOPMed 0.00004.
gnomAD v4.1: 85 of 1,613,446 alleles (0.0053%); highest among the groups gnomAD compares: Non-Finnish European, 0.0069%; no homozygotes.

Submissions (5):

PreventionGenetics, part of Exact Sciences
Classification: Uncertain significance for TTN-related condition. Last evaluated: 2025-12-30. Review status: criteria provided, single submitter. Criteria: ACMG Guidelines, 2015. Collection method: clinical testing. Allele origin: germline.
Comment: The TTN c.2032A>G variant is predicted to result in the amino acid substitution p.Thr678Ala. To our knowledge, this variant has not been reported in the literature. This variant is reported in 0.0040% of alleles in individuals of African descent in gnomAD. At this time, the clinical significance of this variant is uncertain due to the absence of conclusive functional and genetic evidence.

GeneDx
Classification: Uncertain significance. Last evaluated: 2025-06-11. Review status: criteria provided, single submitter. Criteria: GeneDx Variant Classification Process June 2021. Collection method: clinical testing. Allele origin: germline. Affected: yes.
Comment: Not observed at significant frequency in large population cohorts (gnomAD); Missense variant in a gene in which most reported pathogenic variants are truncating/loss of function; Has not been previously published as pathogenic or benign to our knowledge

Mayo Clinic Laboratories, Mayo Clinic
Classification: Uncertain significance. Last evaluated: 2020-11-11. Review status: criteria provided, single submitter. Criteria: ACMG Guidelines, 2015. Collection method: clinical testing. Allele origin: germline. Observed: 1 variant allele.

Ambry Genetics
Classification: Likely benign for Cardiovascular phenotype. Last evaluated: 2020-11-09. Review status: criteria provided, single submitter. Criteria: Ambry Variant Classification Scheme 2023. Collection method: clinical testing. Allele origin: germline.

Labcorp Genetics (formerly Invitae), Labcorp
Classification: Uncertain significance for Dilated cardiomyopathy 1G; Autosomal recessive limb-girdle muscular dystrophy type 2J. Last evaluated: 2016-02-08. Review status: criteria provided, single submitter. Criteria: Invitae Variant Classification Sherloc (09022015). Collection method: clinical testing. Allele origin: germline.